The following is an entry in ClinVar:

NM_002472.3(MYH8):c.3757C>T (p.Arg1253Cys)

Genes: MYH8 (myosin heavy chain 8; minus strand), MYHAS (myosin heavy chain gene cluster antisense RNA; plus strand). Cytogenetic location: 17p13.1.
Variant type: single nucleotide variant.
Coding change: c.3757C>T on transcript NM_002472.3 (MANE Select); coding-DNA position 3757, C replaced by T.
Protein change: p.Arg1253Cys; replaces arginine 1253 with cysteine.
Molecular consequence: missense variant.
Genome position (GRCh38, 1-based): chr17:10,399,648, G>A on the plus strand (C>T on the coding strand, the complement: MYH8 is on the minus strand). VCF-style: chr17-10399648-G-A. GRCh37 (hg19) VCF-style: chr17-10302965-G-A.
Other names: short protein forms R1253C.
Identifiers: ClinVar variation 129676 (VCV000129676.18), dbSNP rs34953692, ClinGen allele CA153826.

ClinVar aggregate classification (germline): Benign/Likely benign. Review status: criteria provided, multiple submitters, no conflicts (2 of 4 stars). 7 submissions from 7 submitters: Benign (2); Likely benign (5). Last evaluated 2025-08-18.

Conditions:
Hecht syndrome (DA7). Also called: Dutch-Kentucky syndrome; MOUTH, INABILITY TO OPEN COMPLETELY, AND SHORT FINGER-FLEXOR TENDONS. Identifiers: Orphanet 3377, MedGen C0265226, MONDO:0008016, OMIM 158300. Disease mechanism: gain of function.

Allele frequency attached by ClinVar (database versions not stated): gnomAD exomes 0.00204; ExAC 0.00227; ESP Exome Variant Server 0.00438; gnomAD 0.00448 and 0.00461; TOPMed 0.00482; 1000 Genomes Project 0.00619; 1000 Genomes Project 30x 0.00625.
gnomAD v4.1: 2,339 of 1,613,962 alleles (0.14%); highest among the groups gnomAD compares: African/African-American, 1.3%; 13 homozygotes.

Submissions (7):

Genomic Medicine Center of Excellence, King Faisal Specialist Hospital and Research Centre
Classification: Likely benign. Last evaluated: 2025-08-18. Review status: criteria provided, single submitter. Criteria: ACMG Guidelines, 2015. Collection method: clinical testing. Allele origin: germline.

Blueprint Genetics
Classification: Likely benign. Last evaluated: 2024-11-21. Review status: criteria provided, single submitter. Criteria: ACMG Guidelines, 2015. Collection method: clinical testing. Allele origin: germline.

Labcorp Genetics (formerly Invitae), Labcorp
Classification: Benign. Last evaluated: 2019-12-31. Review status: criteria provided, single submitter. Criteria: Invitae Variant Classification Sherloc (09022015). Collection method: clinical testing. Allele origin: germline.

GeneDx
Classification: Likely benign. Last evaluated: 2019-10-28. Review status: criteria provided, single submitter. Criteria: GeneDx Variant Classification Process June 2021. Collection method: clinical testing. Allele origin: germline. Affected: yes.

Illumina Laboratory Services, Illumina
Classification: Likely benign for Hecht syndrome. Last evaluated: 2018-01-12. Review status: criteria provided, single submitter. Criteria: ICSL Variant Classification Criteria 13 December 2019. Collection method: clinical testing. Allele origin: germline.
Comment: This variant was observed in the ICSL laboratory as part of a predisposition screen in an ostensibly healthy population. It had not been previously curated by ICSL or reported in the Human Gene Mutation Database (HGMD: prior to June 1st, 2018), and was therefore a candidate for classification through an automated scoring system. Utilizing variant allele frequency, disease prevalence and penetrance estimates, and inheritance mode, an automated score was calculated to assess if this variant is too frequent to cause the disease. Based on the score and internal cut-off values, a variant classified as likely benign is not then subjected to further curation. The score for this variant resulted in a classification of likely benign for this disease.

Genetic Services Laboratory, University of Chicago
Classification: Benign. Last evaluated: 2017-06-05. Review status: criteria provided, single submitter. Criteria: ACMG Guidelines, 2015. Collection method: clinical testing. Allele origin: germline. Affected: no.

Breakthrough Genomics
Classification: Likely benign. Review status: criteria provided, single submitter. Criteria: ACMG Guidelines, 2015. Collection method: not provided. Allele origin: germline. Inheritance: Autosomal dominant inheritance. Affected: yes.